The following is an entry in ClinVar:

NM_001035.3(RYR2):c.7428T>C (p.Tyr2476=)

Gene: RYR2 (ryanodine receptor 2; plus strand). Cytogenetic location: 1q43.
Variant type: single nucleotide variant.
Coding change: c.7428T>C on transcript NM_001035.3 (MANE Select); coding-DNA position 7428, T replaced by C.
Protein change: p.Tyr2476=; no amino-acid change (tyrosine 2476 retained).
Molecular consequence: synonymous variant.
Genome position (GRCh38, 1-based): chr1:237,648,529, T>C. VCF-style: chr1-237648529-T-C. GRCh37 (hg19) VCF-style: chr1-237811829-T-C.
Other names: c.7428T>C (NM_001035.2).
Identifiers: ClinVar variation 1127807 (VCV001127807.15), dbSNP rs770823825, ClinGen allele CA087387.
Genomic context (GRCh38, chr1:237,648,529, plus strand): 5'-GTCTGCGGGGTTTTGCCCAGATCACAAGGCAGCCATGGTTTTATTCCTTGACAGGGTCTA[T>C]GGGATTGAGGTTCAAGACTTCCTCCTCCATCTTCTTGAGGTTGGCTTTCTGCCAGATCTC-3'
Protein context (NP_001026.2, residues 2466-2486): AAMVLFLDRV[Tyr2476=]GIEVQDFLLH

ClinVar aggregate classification (germline): Conflicting classifications of pathogenicity. Review status: criteria provided, conflicting classifications (1 of 4 stars). 4 submissions from 4 submitters: Uncertain significance (1); Likely benign (3). Last evaluated 2025-10-25.

Conditions:
Cardiomyopathy (CMYO). Also called: Cardiomyopathies. Identifiers: Orphanet 167848, MedGen C0878544, MONDO:0004994, HP:0001638. Inheritance: Various modes of inheritance.
Cardiovascular phenotype. Identifiers: MedGen CN230736.
Catecholaminergic polymorphic ventricular tachycardia (CVPT). Also called: Catecholamine-induced polymorphic ventricular tachycardia. Identifiers: Orphanet 3286, MedGen C5574922, MONDO:0017990.
Catecholaminergic polymorphic ventricular tachycardia 1. Also called: VENTRICULAR TACHYCARDIA, CATECHOLAMINERGIC POLYMORPHIC, 1, WITH OR WITHOUT ATRIAL DYSFUNCTION AND/OR DILATED CARDIOMYOPATHY; RYR2-Related Catecholaminergic Polymorphic Ventricular Tachycardia; VENTRICULAR TACHYCARDIA, STRESS-INDUCED POLYMORPHIC 1. Identifiers: Orphanet 3286, MedGen C1631597, MONDO:0011484, OMIM 604772.

Allele frequency attached by ClinVar (database versions not stated): gnomAD 0.00003 and 0.00004; gnomAD exomes 0.00013; ExAC 0.00031.
gnomAD v4.1: 82 of 1,611,578 alleles (0.0051%); highest among the groups gnomAD compares: Non-Finnish European, 0.0053%; no homozygotes.

Submissions (4):

Labcorp Genetics (formerly Invitae), Labcorp
Classification: Likely benign for Catecholaminergic polymorphic ventricular tachycardia 1. Last evaluated: 2025-10-25. Review status: criteria provided, single submitter. Criteria: Invitae Variant Classification Sherloc (09022015). Collection method: clinical testing. Allele origin: germline.

All of Us Research Program, National Institutes of Health
Classification: Likely benign for Catecholaminergic polymorphic ventricular tachycardia. Last evaluated: 2023-10-06. Review status: criteria provided, single submitter. Criteria: ACMG Guidelines, 2015. Collection method: clinical testing. Allele origin: germline. Inheritance: Autosomal dominant inheritance. Observed: 5 variant alleles, 5 heterozygotes.
Comment: This study involves interpretation of variants in research participants for the purpose of population health screening. Participant phenotype was not available at the time of variant classification. Additional details can be found in publication PMID: 35346344, PMCID: PMC8962531

Ambry Genetics
Classification: Uncertain significance for Cardiovascular phenotype. Last evaluated: 2022-12-05. Review status: criteria provided, single submitter. Criteria: Ambry Variant Classification Scheme 2023. Collection method: clinical testing. Allele origin: germline.
Comment: The c.7428T>C variant (also known as p.Y2476Y), located in coding exon 49 of the RYR2 gene, results from a T to C substitution at nucleotide position 7428. This nucleotide substitution does not change the tyrosine at codon 2476. This nucleotide position is well conserved in available vertebrate species. In silico splice site analysis for this alteration is inconclusive. Since supporting evidence is limited at this time, the clinical significance of this alteration remains unclear.

Color Diagnostics, LLC DBA Color Health
Classification: Likely benign for Cardiomyopathy. Last evaluated: 2021-01-20. Review status: criteria provided, single submitter. Criteria: ACMG Guidelines, 2015. Collection method: clinical testing. Allele origin: germline.